The following is an entry in ClinVar:

NM_016320.5(NUP98):c.5014T>C (p.Ser1672Pro)

Gene: NUP98 (nucleoporin 98 and 96 precursor; minus strand). Cytogenetic location: 11p15.4.
Variant type: single nucleotide variant.
Coding change: c.5014T>C on transcript NM_016320.5 (MANE Select); coding-DNA position 5014, T replaced by C.
Protein change: p.Ser1672Pro; replaces serine 1672 with proline.
Molecular consequence: missense variant. On other transcripts: non-coding transcript variant (1).
Genome position (GRCh38, 1-based): chr11:3,679,613, A>G on the plus strand (T>C on the coding strand, the complement: NUP98 is on the minus strand). VCF-style: chr11-3679613-A-G. GRCh37 (hg19) VCF-style: chr11-3700843-A-G.
Other names: c.5107T>C, p.Ser1703Pro (NM_001365125.2); c.5065T>C, p.Ser1689Pro (NM_001365126.2); c.4990T>C, p.Ser1664Pro (NM_001365127.2); c.4963T>C, p.Ser1655Pro (NM_001365128.2); c.4873T>C, p.Ser1625Pro (NM_001365129.2); c.4792T>C, p.Ser1598Pro (NM_139132.4); short protein forms S1598P, S1625P, S1655P, S1664P, S1672P, S1689P, S1703P.
Identifiers: ClinVar variation 992658 (VCV000992658.1), dbSNP rs1400980586, ClinGen allele CA379169423.

ClinVar aggregate classification (germline): Benign (0 of 4 stars; one submission).

gnomAD v4.1: 1 of 1,614,230 alleles (0.000062%); highest among the groups gnomAD compares: East Asian, 0.0022%; no homozygotes.

Submission:

Division of Genomics, Kyushu university
Classification: Benign. Review status: no assertion criteria provided. Collection method: research. Allele origin: unknown, not applicable. Affected: no.
Comment: However, we do NOT think this variant is a causative variant.